The following is an entry in ClinVar:

ClinVar aggregate classification (germline): Uncertain significance (1 of 4 stars; one submission).

Conditions:
Familial thoracic aortic aneurysm and aortic dissection (TAAD). Also called: Thoracic aortic aneurysms and dissections. Identifiers: Orphanet 91387, MedGen C4707243, MONDO:0019625.

gnomAD v4.1: 1 of 1,614,040 alleles (0.000062%); no homozygotes.

Submission:

Ambry Genetics
Classification: Uncertain significance for Familial thoracic aortic aneurysm and aortic dissection. Last evaluated: 2025-05-27. Review status: criteria provided, single submitter. Criteria: Ambry Variant Classification Scheme 2023. Collection method: clinical testing. Allele origin: germline.
Comment: The p.T306I variant (also known as c.917C>T), located in coding exon 7 of the ACTA2 gene, results from a C to T substitution at nucleotide position 917. The threonine at codon 306 is replaced by isoleucine, an amino acid with similar properties. This amino acid position is conserved. In addition, this alteration is predicted to be deleterious by in silico analysis. Based on the available evidence, the clinical significance of this variant remains unclear.

NM_001613.4(ACTA2):c.917C>T (p.Thr306Ile)

Genes: ACTA2 (actin alpha 2, smooth muscle; minus strand), ACTA2-AS1 (ACTA2 antisense RNA 1; plus strand). Cytogenetic location: 10q23.31.
Variant type: single nucleotide variant.
Coding change: c.917C>T on transcript NM_001613.4 (MANE Select); coding-DNA position 917, C replaced by T.
Protein change: p.Thr306Ile; replaces threonine 306 with isoleucine.
Molecular consequence: missense variant.
Genome position (GRCh38, 1-based): chr10:88,938,134, G>A on the plus strand (C>T on the coding strand, the complement: ACTA2 is on the minus strand). VCF-style: chr10-88938134-G-A. GRCh37 (hg19) VCF-style: chr10-90697891-G-A.
Other names: c.917C>T, p.Thr306Ile (NM_001141945.3, NM_001320855.2, NM_001406462.1 and 2 more transcripts); c.806C>T, p.Thr269Ile (NM_001406466.1); c.788C>T, p.Thr263Ile (NM_001406467.1, NM_001406468.1, NM_001406469.1); c.725C>T, p.Thr242Ile (NM_001406471.1); short protein forms T263I, T306I, T242I, T269I.
Identifiers: ClinVar variation 4001459 (VCV004001459.1).
Genomic context (GRCh38, chr10:88,938,134, plus strand): 5'-GTGCTGGGTGCTAGGGCCGTGATCTCCTTCTGCATTCGGTCGGCAATGCCAGGGTACATA[G>A]TGGTGCCCCCTGATAGGACATTGTTAGCATAGAGGTCCTTCCTGATGTCAATATCACACT-3'
Protein context (NP_001604.1, residues 296-316): YANNVLSGGT[Thr306Ile]MYPGIADRMQ